The following is an entry in ClinVar:

ClinVar aggregate classification (germline): Uncertain significance (1 of 4 stars; one submission).

Conditions:
LAMA2-related muscular dystrophy (LAMA2-RD). Also called: Laminin alpha 2-related dystrophy. Identifiers: MedGen C5679788, MONDO:0100228.

Submission:

Labcorp Genetics (formerly Invitae), Labcorp
Classification: Uncertain significance for LAMA2-related muscular dystrophy. Last evaluated: 2025-04-22. Review status: criteria provided, single submitter. Criteria: Invitae Variant Classification Sherloc (09022015). Collection method: clinical testing. Allele origin: germline.
Comment: This sequence change replaces tyrosine, which is neutral and polar, with asparagine, which is neutral and polar, at codon 1167 of the LAMA2 protein (p.Tyr1167Asn). This variant is not present in population databases (gnomAD no frequency). This variant has not been reported in the literature in individuals affected with LAMA2-related conditions. Invitae Evidence Modeling of protein sequence and biophysical properties (such as structural, functional, and spatial information, amino acid conservation, physicochemical variation, residue mobility, and thermodynamic stability) indicates that this missense variant is not expected to disrupt LAMA2 protein function with a negative predictive value of 95%. In summary, the available evidence is currently insufficient to determine the role of this variant in disease. Therefore, it has been classified as a Variant of Uncertain Significance.

NM_000426.4(LAMA2):c.3499T>A (p.Tyr1167Asn)

Gene: LAMA2 (laminin subunit alpha 2; plus strand). Cytogenetic location: 6q22.33.
Variant type: single nucleotide variant.
Coding change: c.3499T>A on transcript NM_000426.4 (MANE Select); coding-DNA position 3499, T replaced by A.
Protein change: p.Tyr1167Asn; replaces tyrosine 1167 with asparagine.
Molecular consequence: missense variant.
Genome position (GRCh38, 1-based): chr6:129,314,742, T>A. VCF-style: chr6-129314742-T-A. GRCh37 (hg19) VCF-style: chr6-129635887-T-A.
Other names: c.3499T>A, p.Tyr1167Asn (NM_001079823.2); short protein forms Y1167N.
Identifiers: ClinVar variation 4801383 (VCV004801383.1).